The following is an entry in ClinVar:

NM_032608.7(MYO18B):c.4399C>T (p.Arg1467Trp)

Genes: MYO18B (myosin XVIIIB; plus strand), MYO18B-AS1 (MYO18B antisense RNA 1; minus strand). Cytogenetic location: 22q12.1.
Variant type: single nucleotide variant.
Coding change: c.4399C>T on transcript NM_032608.7 (MANE Select); coding-DNA position 4399, C replaced by T.
Protein change: p.Arg1467Trp; replaces arginine 1467 with tryptophan.
Molecular consequence: missense variant.
Genome position (GRCh38, 1-based): chr22:25,890,840, C>T. VCF-style: chr22-25890840-C-T. GRCh37 (hg19) VCF-style: chr22-26286807-C-T.
Other names: c.4402C>T, p.Arg1468Trp (NM_001318245.2); c.4399C>T (NM_032608.6); short protein forms R1467W, R1468W.
Identifiers: ClinVar variation 2200446 (VCV002200446.7), dbSNP rs200181066, ClinGen allele CA10160867.
Genomic context (GRCh38, chr22:25,890,840, plus strand): 5'-GCCGATGAGCGCTTCAAAGGTGATGTGGCCTGCCAGGTGCTGGAGAGTGAGCGGGCAGAG[C>T]GGCTACAGGCCTTCCGGGAGGTCCAGGAGCTCAAGGTGAGTGGTCAGGGGTGGCCAGGGG-3'
Protein context (NP_115997.5, residues 1457-1477): CQVLESERAE[Arg1467Trp]LQAFREVQEL

ClinVar aggregate classification (germline): Uncertain significance. Review status: criteria provided, multiple submitters, no conflicts (2 of 4 stars). 3 submissions from 3 submitters: Uncertain significance (3). Last evaluated 2026-09-25.

Conditions:
MYO18B-related disorder. Also called: MYO18B-related condition.
Klippel-Feil anomaly-myopathy-facial dysmorphism syndrome. Also called: Klippel-feil syndrome 4, autosomal recessive, with nemaline myopathy and facial dysmorphism; Klippel-Feil syndrome 4, autosomal recessive, with myopathy and facial dysmorphism. Identifiers: Orphanet 447974, MedGen C4225285, MONDO:0014689, OMIM 616549.

Allele frequency attached by ClinVar (database versions not stated): gnomAD 0.00007; ExAC 0.00010; TOPMed 0.00012; ESP Exome Variant Server 0.00016.
gnomAD v4.1: 162 of 1,613,746 alleles (0.01%); highest among the groups gnomAD compares: Admixed American, 0.027%; no homozygotes.

Submissions (3):

PreventionGenetics, part of Exact Sciences
Classification: Uncertain significance for MYO18B-related condition. Last evaluated: 2026-09-25. Review status: criteria provided, single submitter. Criteria: ACMG Guidelines, 2015. Collection method: clinical testing. Allele origin: germline.
Comment: The MYO18B c.4399C>T variant is predicted to result in the amino acid substitution p.Arg1467Trp. To our knowledge, this variant has not been reported in the literature. This variant is reported in 0.034% of alleles in individuals of Latino descent in gnomAD. At this time, the clinical significance of this variant is uncertain due to the absence of conclusive functional and genetic evidence.

Revvity Omics, Revvity
Classification: Uncertain significance for Klippel-Feil anomaly-myopathy-facial dysmorphism syndrome. Last evaluated: 2025-05-19. Review status: criteria provided, single submitter. Criteria: ACMG Guidelines, 2015. Collection method: clinical testing. Allele origin: germline.

Labcorp Genetics (formerly Invitae), Labcorp
Classification: Uncertain significance. Last evaluated: 2024-12-31. Review status: criteria provided, single submitter. Criteria: Invitae Variant Classification Sherloc (09022015). Collection method: clinical testing. Allele origin: germline.
Comment: This sequence change replaces arginine, which is basic and polar, with tryptophan, which is neutral and slightly polar, at codon 1467 of the MYO18B protein (p.Arg1467Trp). This variant is present in population databases (rs200181066, gnomAD 0.03%). This variant has not been reported in the literature in individuals affected with MYO18B-related conditions. ClinVar contains an entry for this variant (Variation ID: 2200446). An algorithm developed to predict the effect of missense changes on protein structure and function outputs the following: PolyPhen-2: "Possibly Damaging". The tryptophan amino acid residue is found in multiple mammalian species, which suggests that this missense change does not adversely affect protein function. In summary, the available evidence is currently insufficient to determine the role of this variant in disease. Therefore, it has been classified as a Variant of Uncertain Significance.